The following is an entry in ClinVar:

ClinVar aggregate classification (germline): Pathogenic. Review status: criteria provided, multiple submitters, no conflicts (2 of 4 stars). 3 submissions from 3 submitters: Pathogenic (3). Last evaluated 2025-12-01.

Conditions:
DICER1-related tumor predisposition. Also called: DICER1-related pleuropulmonary blastoma cancer predisposition syndrome; DICER1 syndrome. Identifiers: Orphanet 284343, MedGen C3839822, MONDO:0100216.
Hereditary cancer-predisposing syndrome. Also called: Hereditary neoplastic syndrome; Tumor predisposition; Neoplastic Syndromes, Hereditary; Hereditary Cancer Syndrome. Identifiers: Orphanet 140162, MedGen C0027672, MeSH D009386, MONDO:0015356.

Submissions (3):

Unidad de Genómica Garrahan, Hospital de Pediatría Garrahan
Classification: Pathogenic for DICER1-related tumor predisposition. Last evaluated: 2025-12-01. Review status: criteria provided, single submitter. Criteria: Hatton et al. (Hum Mutat. 2023). Collection method: clinical testing. Allele origin: germline. Affected: yes.
Comment: Frameshift variant predicted to result in protein truncation in a gene for which loss-of-function is a known mechanism of disease (PVS1_very strong). The variant is not reported in population-based cohorts in the Genome Aggregation Database (gnomAD) (PM2_Supporting). Based on the available evidence and following the ClinGen DICER1 and miRNA-Processing Gene Expert Panel Specifications to the ACMG/AMP Variant Interpretation Guidelines for DICER1 (PMID: 38084291) this alteration is classified as pathogenic.

Ambry Genetics
Classification: Pathogenic for Hereditary cancer-predisposing syndrome. Last evaluated: 2023-05-03. Review status: criteria provided, single submitter. Criteria: Ambry Variant Classification Scheme 2023. Collection method: clinical testing. Allele origin: germline.
Comment: The c.3535_3538delTCTT pathogenic mutation, located in coding exon 20 of the DICER1 gene, results from a deletion of 4 nucleotides at nucleotide positions 3535 to 3538, causing a translational frameshift with a predicted alternate stop codon (p.S1179Tfs*12). This variant has been identified in an individual with cervical embryonal rhabdomyosarcoma and an individual with a pituitary blastoma (Tomiak E et al. Pediatr Blood Cancer, 2014 Mar;61:568-9). (de Kock L et al. Acta Neuropathol., 2014 Jul;128:111-22). In addition to the clinical data presented in the literature, this alteration is expected to result in loss of function by premature protein truncation or nonsense-mediated mRNA decay. As such, this alteration is interpreted as a disease-causing mutation.

Foulkes Cancer Genetics LDI, Lady Davis Institute for Medical Research
Classification: Pathogenic for Pleuropulmonary blastoma. Last evaluated: 2019-07-01. Review status: criteria provided, single submitter. Criteria: ACMG Guidelines, 2015. Collection method: curation. Allele origin: germline. Affected: yes. Observed: 2 variant alleles.
Comment: ACMG criteria met: PVS1, PM2, PP4

Literature cited by the submitters: PubMed 24151152 (cited by 3 submitters); PubMed 24839956 (cited by 3 submitters).

NM_177438.3(DICER1):c.3535_3538del (p.Ser1179fs)

Gene: DICER1 (dicer 1, ribonuclease III; minus strand). Cytogenetic location: 14q32.13.
Variant type: Microsatellite.
Coding change: c.3535_3538del on transcript NM_177438.3 (MANE Select); coding-DNA positions 3535 to 3538, 4 bases deleted (TCTT; older notation c.3535_3538delTCTT).
Protein change: p.Ser1179fs; shifts the reading frame from serine 1179.
Molecular consequence: frameshift variant.
Genome position (GRCh38, 1-based): chr14:95,103,858-95,103,861, AAGA deleted on the plus strand (TCTT on the coding strand, the reverse complement: DICER1 is on the minus strand); deleting any 4 consecutive bases within chr14:95,103,858-95,103,865 gives the same sequence; the c. name uses the placement nearest the transcript's 3' end. VCF-style (leftmost placement, unchanged base first): chr14-95103857-TAAGA-T. GRCh37 (hg19) VCF-style: chr14-95570194-TAAGA-T.
Other names: p.(Ser1179Thrfs*12); c.3535_3538delTCTT (NM_177438.2); c.3535_3538del, p.Ser1179fs (NM_001195573.1, NM_001271282.3, NM_001291628.2 and 1 more transcripts); short protein forms S1179fs.
Identifiers: ClinVar variation 429115 (VCV000429115.10), dbSNP rs1131691191, ClinGen allele CA645369617.